The following is an entry in ClinVar:

ClinVar aggregate classification (germline): Uncertain significance (1 of 4 stars; one submission).

Conditions:
Dilated cardiomyopathy 2B. Identifiers: Orphanet 154, MedGen C3553409, MONDO:0013848, OMIM 614672.

gnomAD v4.1: 9 of 1,215,256 alleles (0.00074%); highest among the groups gnomAD compares: South Asian, 0.0041%; no homozygotes.

Submission:

Labcorp Genetics (formerly Invitae), Labcorp
Classification: Uncertain significance for Dilated cardiomyopathy 2B. Last evaluated: 2025-12-25. Review status: criteria provided, single submitter. Criteria: Invitae Variant Classification Sherloc (09022015). Collection method: clinical testing. Allele origin: germline.
Comment: This sequence change falls in intron 1 of the GATAD1 gene. It does not directly change the encoded amino acid sequence of the GATAD1 protein. It affects a nucleotide within the consensus splice site. This variant is not present in population databases (gnomAD no frequency). This variant has not been reported in the literature in individuals affected with GATAD1-related conditions. ClinVar contains an entry for this variant (Variation ID: 3712952). Variants that disrupt the consensus splice site are a relatively common cause of aberrant splicing (PMID: 17576681, 9536098). Algorithms developed to predict the effect of sequence changes on RNA splicing suggest that this variant is not likely to affect RNA splicing. In summary, the available evidence is currently insufficient to determine the role of this variant in disease. Therefore, it has been classified as a Variant of Uncertain Significance.

Literature cited by the submitters: PubMed 17576681; PubMed 9536098.

NM_021167.5(GATAD1):c.249+6C>T

Genes: GATAD1 (GATA zinc finger domain containing 1; plus strand), LOC129998793 (ATAC-STARR-seq lymphoblastoid silent region 18371; plus strand). Cytogenetic location: 7q21.2.
Variant type: single nucleotide variant.
Coding change: c.249+6C>T on transcript NM_021167.5 (MANE Select); 6 bases into the intron after coding-DNA position 249, C replaced by T.
Molecular consequence: intron variant.
Genome position (GRCh38, 1-based): chr7:92,447,984, C>T. VCF-style: chr7-92447984-C-T. GRCh37 (hg19) VCF-style: chr7-92077298-C-T.
Identifiers: ClinVar variation 3712952 (VCV003712952.2).
Genomic context (GRCh38, chr7:92,447,984, plus strand): 5'-CGCCAGCACCTCCGCCACCCCTCCGCAGAGCAACGGGGGCGGGGGCGGCAAGCAGGTGAG[C>T]TCCTCCGGCCCCTCCCGCCGGCGGAGGCCGACCAGGTGCTAGGCGGGCGGGGACGGGCTG-3'